The following is an entry in ClinVar:

NM_032217.5(ANKRD17):c.4730C>T (p.Thr1577Ile)

Gene: ANKRD17 (ankyrin repeat domain 17; minus strand). Cytogenetic location: 4q13.3.
Variant type: single nucleotide variant.
Coding change: c.4730C>T on transcript NM_032217.5 (MANE Select); coding-DNA position 4730, C replaced by T.
Protein change: p.Thr1577Ile; replaces threonine 1577 with isoleucine.
Molecular consequence: missense variant.
Genome position (GRCh38, 1-based): chr4:73,098,364, G>A on the plus strand (C>T on the coding strand, the complement: ANKRD17 is on the minus strand). VCF-style: chr4-73098364-G-A. GRCh37 (hg19) VCF-style: chr4-73964081-G-A.
Other names: c.4391C>T, p.Thr1464Ile (NM_001286771.3); c.4727C>T, p.Thr1576Ile (NM_015574.2); c.3977C>T, p.Thr1326Ile (NM_198889.3); short protein forms T1576I, T1326I, T1577I, T1464I.
Identifiers: ClinVar variation 2307405 (VCV002307405.3), dbSNP rs2530250322, ClinGen allele CA357203073.

ClinVar aggregate classification (germline): Uncertain significance. Review status: criteria provided, multiple submitters, no conflicts (2 of 4 stars). 2 submissions from 2 submitters: Uncertain significance (2). Last evaluated 2023-03-03.

Conditions:
Chopra-Amiel-Gordon syndrome (CAGS). Also called: ANKRD17-Related Neurodevelopmental Syndrome. Identifiers: MedGen C5561975, MONDO:0859186, OMIM 619504.
Inborn genetic diseases. Identifiers: MedGen C0950123, MeSH D030342.

Allele frequency attached by ClinVar (database versions not stated): gnomAD exomes below 0.00001.
gnomAD v4.1: 1 of 1,614,170 alleles (0.000062%); highest among the groups gnomAD compares: African/African-American, 0.0013%; no homozygotes.

Submissions (2):

Laboratorio de Genetica e Diagnostico Molecular, Hospital Israelita Albert Einstein
Classification: Uncertain significance for Chopra-Amiel-Gordon syndrome. Last evaluated: 2023-03-03. Review status: criteria provided, single submitter. Criteria: ACMG Guidelines, 2015. Collection method: clinical testing. Allele origin: germline. Affected: yes.
Comment: ACMG classification criteria: PM2 moderate, BP4 supporting

Ambry Genetics
Classification: Uncertain significance for Inborn genetic diseases. Last evaluated: 2022-08-16. Review status: criteria provided, single submitter. Criteria: Ambry Variant Classification Scheme 2023. Collection method: clinical testing. Allele origin: germline.
Comment: The c.4730C>T (p.T1577I) alteration is located in exon 26 (coding exon 26) of the ANKRD17 gene. This alteration results from a C to T substitution at nucleotide position 4730, causing the threonine (T) at amino acid position 1577 to be replaced by an isoleucine (I). This variant was not reported in population-based cohorts in the Genome Aggregation Database (gnomAD). This amino acid position is not well conserved in available vertebrate species. This alteration is predicted to be tolerated by in silico analysis. Based on insufficient or conflicting evidence, the clinical significance of this alteration remains unclear.